The following is an entry in ClinVar:

NM_152564.5(VPS13B):c.10611C>T (p.Ser3537=)

Gene: VPS13B (vacuolar protein sorting 13 homolog B; plus strand). Cytogenetic location: 8q22.2.
Variant type: single nucleotide variant.
Coding change: c.10611C>T on transcript NM_152564.5 (MANE Select); coding-DNA position 10611, C replaced by T.
Protein change: p.Ser3537=; no amino-acid change (serine 3537 retained).
Molecular consequence: synonymous variant.
Genome position (GRCh38, 1-based): chr8:99,854,000, C>T. VCF-style: chr8-99854000-C-T. GRCh37 (hg19) VCF-style: chr8-100866228-C-T.
Other names: c.10686C>T, p.Ser3562= (NM_017890.5); c.10611C>T (NM_152564.4).
Identifiers: ClinVar variation 1077351 (VCV001077351.10), dbSNP rs779390295, ClinGen allele CA4824980.
Genomic context (GRCh38, chr8:99,854,000, plus strand): 5'-GACTTTGTTTGACACCTACCTTCCTAACAGCAGGTTGGCTGGTCACTCCACACACCTCTC[C>T]GGGGGTAAACAGGTGTTGCCCATGCAGGTCACACAGCACGCCAGGGCCTTGGTGAATCCT-3'
Protein context (NP_689777.3, residues 3527-3547): SRLAGHSTHL[Ser3537=]GGKQVLPMQV

ClinVar aggregate classification (germline): Likely benign. Review status: criteria provided, multiple submitters, no conflicts (2 of 4 stars). 2 submissions from 2 submitters: Likely benign (2). Last evaluated 2025-12-13.

Conditions:
VPS13B-related disorder. Also called: VPS13B-related condition.
Cohen syndrome (COH1). Also called: Cutis verticis gyrata, retinitis pigmentosa, and sensorineural deafness; PEPPER SYNDROME. Identifiers: Orphanet 193, MedGen C0265223, MONDO:0008999, OMIM 216550.

Allele frequency attached by ClinVar (database versions not stated): ExAC 0.00001; gnomAD exomes 0.00001; TOPMed 0.00002; gnomAD 0.00003.
gnomAD v4.1: 24 of 1,614,094 alleles (0.0015%); highest among the groups gnomAD compares: African/African-American, 0.011%; no homozygotes.

Submissions (2):

Labcorp Genetics (formerly Invitae), Labcorp
Classification: Likely benign for Cohen syndrome. Last evaluated: 2025-12-13. Review status: criteria provided, single submitter. Criteria: Invitae Variant Classification Sherloc (09022015). Collection method: clinical testing. Allele origin: germline.

PreventionGenetics, part of Exact Sciences
Classification: Likely benign for VPS13B-related condition. Last evaluated: 2025-02-23. Review status: criteria provided, single submitter. Criteria: ACMG Guidelines, 2015. Collection method: clinical testing. Allele origin: germline.
Comment: This variant is classified as likely benign based on ACMG/AMP sequence variant interpretation guidelines (Richards et al. 2015 PMID: 25741868, with internal and published modifications).